The following is an entry in ClinVar:

NM_002528.7(NTHL1):c.464_487dup (p.Ala162_Thr163insSerIleLeuGlnThrAspAspAla)

Gene: NTHL1 (nth like DNA glycosylase 1; minus strand). Cytogenetic location: 16p13.3.
Variant type: Duplication.
Coding change: c.464_487dup on transcript NM_002528.7 (MANE Select); coding-DNA positions 464 to 487, 24 bases duplicated (GCATCCTGCAGACAGATGATGCCA).
Protein change: p.Ala162_Thr163insSerIleLeuGlnThrAspAspAla.
Molecular consequence: inframe insertion. On other transcripts: intron variant (1).
Genome position (GRCh38, 1-based): chr16:2,044,668-2,044,691, TGGCATCATCTGTCTGCAGGATGC duplicated on the plus strand (GCATCCTGCAGACAGATGATGCCA on the coding strand, the reverse complement: NTHL1 is on the minus strand); duplicating any 24 consecutive bases within chr16:2,044,668-2,044,693 gives the same sequence; the c. name uses the placement nearest the transcript's 3' end. VCF-style (leftmost placement, unchanged base first): chr16-2044667-G-GTGGCATCATCTGTCTGCAGGATGC. GRCh37 (hg19) VCF-style: chr16-2094668-G-GTGGCATCATCTGTCTGCAGGATGC.
Other names: c.134_157dup, p.Ala52_Thr53insSerIleLeuGlnThrAspAspAla (NM_001318194.2); c.355-965_355-942dup (NM_001318193.2).
Identifiers: ClinVar variation 2848345 (VCV002848345.3), dbSNP rs2548316184, ClinGen allele CA2739269892.

ClinVar aggregate classification (germline): Uncertain significance (1 of 4 stars; one submission).

Submission:

Labcorp Genetics (formerly Invitae), Labcorp
Classification: Uncertain significance. Last evaluated: 2023-03-21. Review status: criteria provided, single submitter. Criteria: Invitae Variant Classification Sherloc (09022015). Collection method: clinical testing. Allele origin: germline.
Comment: This variant, c.488_511dup, results in the insertion of 8 amino acid(s) of the NTHL1 protein (p.Ser163_Ala170dup), but otherwise preserves the integrity of the reading frame. This variant is not present in population databases (gnomAD no frequency). This variant has not been reported in the literature in individuals affected with NTHL1-related conditions. In summary, the available evidence is currently insufficient to determine the role of this variant in disease. Therefore, it has been classified as a Variant of Uncertain Significance.